The following is an entry in ClinVar:

NM_014159.7(SETD2):c.5818A>G (p.Ser1940Gly)

Gene: SETD2 (SET domain containing 2, histone lysine methyltransferase; minus strand). Cytogenetic location: 3p21.31.
Variant type: single nucleotide variant.
Coding change: c.5818A>G on transcript NM_014159.7 (MANE Select); coding-DNA position 5818, A replaced by G.
Protein change: p.Ser1940Gly; replaces serine 1940 with glycine.
Molecular consequence: missense variant. On other transcripts: non-coding transcript variant (1).
Genome position (GRCh38, 1-based): chr3:47,083,962, T>C on the plus strand (A>G on the coding strand, the complement: SETD2 is on the minus strand). VCF-style: chr3-47083962-T-C. GRCh37 (hg19) VCF-style: chr3-47125452-T-C.
Other names: c.5686A>G, p.Ser1896Gly (NM_001349370.3); short protein forms S1896G, S1940G.
Identifiers: ClinVar variation 833872 (VCV000833872.9), dbSNP rs115156486, ClinGen allele CA2362845.

ClinVar aggregate classification (germline): Conflicting classifications of pathogenicity. Review status: criteria provided, conflicting classifications (1 of 4 stars). 2 submissions from 2 submitters: Uncertain significance (1); Benign (1). Last evaluated 2020-10-14.

Conditions:
Inborn genetic diseases. Identifiers: MedGen C0950123, MeSH D030342.
Luscan-Lumish syndrome. Identifiers: Orphanet 597738, MedGen C4085873, MONDO:0014791, OMIM 616831.

Allele frequency attached by ClinVar (database versions not stated): TOPMed below 0.00001; gnomAD 0.00001; gnomAD exomes 0.00001; ExAC 0.00002.
gnomAD v4.1: 29 of 1,614,182 alleles (0.0018%); highest among the groups gnomAD compares: East Asian, 0.058%; no homozygotes.

Submissions (2):

Ambry Genetics
Classification: Uncertain significance for Inborn genetic diseases. Last evaluated: 2020-10-14. Review status: criteria provided, single submitter. Criteria: Ambry Variant Classification Scheme 2023. Collection method: clinical testing. Allele origin: germline.
Comment: The c.5818A>G (p.S1940G) alteration is located in exon 12 (coding exon 12) of the SETD2 gene. This alteration results from an A to G substitution at nucleotide position 5818, causing the serine (S) at amino acid position 1940 to be replaced by a glycine (G). Based on data from the Genome Aggregation Database (gnomAD) database, the SETD2 c.5818A>G alteration was observed in 0.0008% (2/251326) of total alleles studied. This amino acid position is not well conserved in available vertebrate species. The p.S1940G alteration is predicted to be tolerated by in silico analysis. Based on insufficient or conflicting evidence, the clinical significance of this alteration remains unclear.

Labcorp Genetics (formerly Invitae), Labcorp
Classification: Benign for Luscan-Lumish syndrome. Last evaluated: 2020-01-29. Review status: criteria provided, single submitter. Criteria: Invitae Variant Classification Sherloc (09022015). Collection method: clinical testing. Allele origin: germline.